The following is an entry in ClinVar:

NM_152443.3(RDH12):c.499C>T (p.Pro167Ser)

Genes: GPHN (gephyrin; plus strand), RDH12 (retinol dehydrogenase 12; plus strand). Cytogenetic location: 14q24.1.
Variant type: single nucleotide variant.
Coding change: c.499C>T on transcript NM_152443.3 (MANE Select); coding-DNA position 499, C replaced by T.
Protein change: p.Pro167Ser; replaces proline 167 with serine.
Molecular consequence: missense variant.
Genome position (GRCh38, 1-based): chr14:67,727,031, C>T. VCF-style: chr14-67727031-C-T. GRCh37 (hg19) VCF-style: chr14-68193748-C-T.
Other names: short protein forms P167S.
Identifiers: ClinVar variation 1951002 (VCV001951002.5), dbSNP rs2503811202, ClinGen allele CA390150742.

ClinVar aggregate classification (germline): Uncertain significance (1 of 4 stars; one submission).

Conditions:
Leber congenital amaurosis 13 (LCA13). Identifiers: MedGen C2675186, MONDO:0012990, OMIM 612712.

Submission:

Labcorp Genetics (formerly Invitae), Labcorp
Classification: Uncertain significance for Leber congenital amaurosis 13. Last evaluated: 2024-10-08. Review status: criteria provided, single submitter. Criteria: Invitae Variant Classification Sherloc (09022015). Collection method: clinical testing. Allele origin: germline.
Comment: This sequence change replaces proline, which is neutral and non-polar, with serine, which is neutral and polar, at codon 167 of the RDH12 protein (p.Pro167Ser). This variant is not present in population databases (gnomAD no frequency). This variant has not been reported in the literature in individuals affected with RDH12-related conditions. ClinVar contains an entry for this variant (Variation ID: 1951002). Invitae Evidence Modeling of protein sequence and biophysical properties (such as structural, functional, and spatial information, amino acid conservation, physicochemical variation, residue mobility, and thermodynamic stability) indicates that this missense variant is not expected to disrupt RDH12 protein function with a negative predictive value of 80%. In summary, the available evidence is currently insufficient to determine the role of this variant in disease. Therefore, it has been classified as a Variant of Uncertain Significance.